The following is an entry in ClinVar:

ClinVar aggregate classification (germline): Uncertain significance. Review status: criteria provided, multiple submitters, no conflicts (2 of 4 stars). 4 submissions from 4 submitters: Uncertain significance (3). 1 of the submissions does not count toward it. Last evaluated 2025-09-19.

Conditions:
Hereditary cancer-predisposing syndrome. Also called: Hereditary Cancer Syndrome; Tumor predisposition; Neoplastic Syndromes, Hereditary; Hereditary neoplastic syndrome. Identifiers: Orphanet 140162, MedGen C0027672, MeSH D009386, MONDO:0015356.
Hereditary breast ovarian cancer syndrome. Also called: Hereditary breast and ovarian cancer syndrome (HBOC); Hereditary breast and/or ovarian cancer syndrome; BRCA1- and BRCA2-Associated Hereditary Breast and Ovarian Cancer; Hereditary breast and ovarian cancer syndrome; Hereditary breast and ovarian cancer; Breast and ovarian cancer. Identifiers: Orphanet 145, MedGen C0677776, MeSH D061325, MONDO:0003582. Disease mechanism: loss of function.
Malignant tumor of breast. Also called: Malignant breast neoplasm; Cancer breast. Identifiers: MedGen C0006142, MONDO:0007254. Disease mechanism: loss of function.

Submissions (4):

Ambry Genetics
Classification: Uncertain significance for Hereditary cancer-predisposing syndrome. Last evaluated: 2025-09-19. Review status: criteria provided, single submitter. Criteria: Ambry Variant Classification Scheme 2023. Collection method: clinical testing. Allele origin: germline.
Comment: The p.V1532A variant (also known as c.4595T>C), located in coding exon 13 of the BRCA1 gene, results from a T to C substitution at nucleotide position 4595. The valine at codon 1532 is replaced by alanine, an amino acid with similar properties. This amino acid position is not well conserved in available vertebrate species. In addition, the in silico prediction for this alteration is inconclusive. Since supporting evidence is limited at this time, the clinical significance of this alteration remains unclear.

Color Diagnostics, LLC DBA Color Health
Classification: Uncertain significance for Hereditary cancer-predisposing syndrome. Last evaluated: 2025-05-31. Review status: criteria provided, single submitter. Criteria: ACMG Guidelines, 2015. Collection method: clinical testing. Allele origin: germline.
Comment: This missense variant replaces valine with alanine at codon 1532 of the BRCA1 protein. Computational prediction is inconclusive regarding the impact of this variant on protein structure and function. To our knowledge, functional studies have not been reported for this variant. This variant has not been reported in individuals affected with BRCA1-related disorders in the literature. This variant has not been identified in the general population by the Genome Aggregation Database (gnomAD). The available evidence is insufficient to determine the role of this variant in disease conclusively. Therefore, this variant is classified as a Variant of Uncertain Significance.

Labcorp Genetics (formerly Invitae), Labcorp
Classification: Uncertain significance for Hereditary breast ovarian cancer syndrome. Last evaluated: 2024-09-02. Review status: criteria provided, single submitter. Criteria: Invitae Variant Classification Sherloc (09022015). Collection method: clinical testing. Allele origin: germline.
Comment: This sequence change replaces valine, which is neutral and non-polar, with alanine, which is neutral and non-polar, at codon 1532 of the BRCA1 protein (p.Val1532Ala). This variant is not present in population databases (gnomAD no frequency). This variant has not been reported in the literature in individuals affected with BRCA1-related conditions. ClinVar contains an entry for this variant (Variation ID: 1013802). Invitae Evidence Modeling of protein sequence and biophysical properties (such as structural, functional, and spatial information, amino acid conservation, physicochemical variation, residue mobility, and thermodynamic stability) indicates that this missense variant is not expected to disrupt BRCA1 protein function with a negative predictive value of 95%. In summary, the available evidence is currently insufficient to determine the role of this variant in disease. Therefore, it has been classified as a Variant of Uncertain Significance.

Department of Pathology and Laboratory Medicine, Sinai Health System
Classification: Uncertain significance for Malignant tumor of breast. Review status: no assertion criteria provided. Collection method: clinical testing. Allele origin: unknown. Affected: yes. Study: The Canadian Open Genetics Repository (COGR). Not counted in ClinVar's aggregate classification.
Comment: The BRCA1 p.Val1532Ala variant was not identified in the literature nor was it identified in the dbSNP, ClinVar, LOVD 3.0, UMD-LSDB, Exome Aggregation Consortium (August 8th 2016) or the Genome Aggregation Database (Feb 27, 2017). The p.Val1532 residue is not conserved in mammals and computational analyses (PolyPhen-2, SIFT, AlignGVGD, BLOSUM, MutationTaster) do not suggest a high likelihood of impact to the protein; however, this information is not predictive enough to rule out pathogenicity. The variant occurs outside of the splicing consensus sequence and 1 of 4 in silico or computational prediction software programs (SpliceSiteFinder, MaxEntScan, NNSPLICE, GeneSplicer) predict a greater than 10% difference in splicing; this is not very predictive of pathogenicity. In summary, based on the above information the clinical significance of this variant cannot be determined with certainty at this time. This variant is classified as a variant of uncertain significance.

NM_007294.4(BRCA1):c.4595T>C (p.Val1532Ala)

Gene: BRCA1 (BRCA1 DNA repair associated; minus strand). Cytogenetic location: 17q21.31.
Variant type: single nucleotide variant.
Coding change: c.4595T>C on transcript NM_007294.4 (MANE Select); coding-DNA position 4595, T replaced by C.
Protein change: p.Val1532Ala; replaces valine 1532 with alanine.
Molecular consequence: missense variant. On other transcripts: non-coding transcript variant (1).
Genome position (GRCh38, 1-based): chr17:43,074,411, A>G on the plus strand (T>C on the coding strand, the complement: BRCA1 is on the minus strand). VCF-style: chr17-43074411-A-G. GRCh37 (hg19) VCF-style: chr17-41226428-A-G.
Other names: c.4382T>C, p.Val1461Ala (NM_001407571.1, NM_001407894.1, NM_001407895.1 and 12 more transcripts); c.4661T>C, p.Val1554Ala (NM_001407581.1, NM_001407582.1); c.1280T>C, p.Val427Ala (NM_001408399.1, NM_001408400.1, NM_001408401.1 and 8 more transcripts); c.4658T>C, p.Val1553Ala (NM_001407583.1, NM_001407585.1, NM_001407587.1 and 1 more transcripts); c.4592T>C, p.Val1531Ala (NM_001407617.1, NM_001407618.1, NM_001407619.1 and 17 more transcripts); c.4595T>C, p.Val1532Ala (NM_001407593.1, NM_001407594.1, NM_001407596.1 and 8 more transcripts); c.4655T>C, p.Val1552Ala (NM_001407590.1, NM_001407591.1); c.1277T>C, p.Val426Ala (NM_001408406.1, NM_001408407.1, NM_001408408.1); and 68 more; short protein forms V1485A, V1532A, V1553A, V428A, V1236A, V1420A, V1444A, V1461A.
Identifiers: ClinVar variation 1013802 (VCV001013802.14), dbSNP rs2052601019, ClinGen allele CA10592323.